The following is an entry in ClinVar:

NM_006206.6(PDGFRA):c.2156G>A (p.Ser719Asn)

Gene: PDGFRA (platelet derived growth factor receptor alpha; plus strand). Cytogenetic location: 4q12.
Variant type: single nucleotide variant.
Coding change: c.2156G>A on transcript NM_006206.6 (MANE Select); coding-DNA position 2156, G replaced by A.
Protein change: p.Ser719Asn; replaces serine 719 with asparagine.
Molecular consequence: missense variant.
Genome position (GRCh38, 1-based): chr4:54,278,515, G>A. VCF-style: chr4-54278515-G-A. GRCh37 (hg19) VCF-style: chr4-55144682-G-A.
Other names: c.2156G>A, p.Ser719Asn (NM_001347827.2, NM_001347829.2); c.2231G>A, p.Ser744Asn (NM_001347828.2); c.2195G>A, p.Ser732Asn (NM_001347830.2); short protein forms S719N, S732N, S744N.
Identifiers: ClinVar variation 3619903 (VCV003619903.2).

ClinVar aggregate classification (germline): Uncertain significance (1 of 4 stars; one submission).

Conditions:
Gastrointestinal stromal tumor. Also called: Gastrointestinal stromal tumor, somatic; Gastrointestinal stroma tumor. Identifiers: Orphanet 44890, MedGen C0238198, MeSH D046152, MONDO:0011719, OMIM 606764, HP:0100723.

gnomAD v4.1: 1 of 1,613,926 alleles (0.000062%); highest among the groups gnomAD compares: Non-Finnish European, 0.000085%; no homozygotes.

Submission:

Labcorp Genetics (formerly Invitae), Labcorp
Classification: Uncertain significance for Gastrointestinal stromal tumor. Last evaluated: 2024-07-21. Review status: criteria provided, single submitter. Criteria: Invitae Variant Classification Sherloc (09022015). Collection method: clinical testing. Allele origin: germline.
Comment: This sequence change replaces serine, which is neutral and polar, with asparagine, which is neutral and polar, at codon 719 of the PDGFRA protein (p.Ser719Asn). This variant also falls at the last nucleotide of exon 15, which is part of the consensus splice site for this exon. This variant is not present in population databases (gnomAD no frequency). This variant has not been reported in the literature in individuals affected with PDGFRA-related conditions. An algorithm developed to predict the effect of missense changes on protein structure and function (PolyPhen-2) suggests that this variant is likely to be disruptive. Variants that disrupt the consensus splice site are a relatively common cause of aberrant splicing (PMID: 17576681, 9536098). Algorithms developed to predict the effect of sequence changes on RNA splicing suggest that this variant may disrupt the consensus splice site. In summary, the available evidence is currently insufficient to determine the role of this variant in disease. Therefore, it has been classified as a Variant of Uncertain Significance.

Literature cited by the submitters: PubMed 17576681; PubMed 9536098.